The following is an entry in ClinVar:

NM_014738.6(TMEM94):c.1535C>T (p.Pro512Leu)

Gene: TMEM94 (transmembrane protein 94; plus strand). Cytogenetic location: 17q25.1.
Variant type: single nucleotide variant.
Coding change: c.1535C>T on transcript NM_014738.6 (MANE Select); coding-DNA position 1535, C replaced by T.
Protein change: p.Pro512Leu; replaces proline 512 with leucine.
Molecular consequence: missense variant.
Genome position (GRCh38, 1-based): chr17:75,491,839, C>T. VCF-style: chr17-75491839-C-T. GRCh37 (hg19) VCF-style: chr17-73487920-C-T.
Other names: c.1565C>T, p.Pro522Leu (NM_001321148.2, NM_001351203.2, NM_001438846.1); c.1547C>T, p.Pro516Leu (NM_001321149.2, NM_001438842.1, NM_001438845.1 and 1 more transcripts); c.1535C>T, p.Pro512Leu (NM_001351202.2, NM_001438841.1, NM_001438844.1 and 1 more transcripts); c.1577C>T, p.Pro526Leu (NM_001438843.1); short protein forms P512L, P516L, P522L, P526L.
Identifiers: ClinVar variation 4686330 (VCV004686330.1).

ClinVar aggregate classification (germline): Uncertain significance (1 of 4 stars; one submission).

gnomAD v4.1: 1 of 1,614,052 alleles (0.000062%); highest among the groups gnomAD compares: Admixed American, 0.0017%; no homozygotes.

Submission:

GeneDx
Classification: Uncertain significance. Last evaluated: 2025-07-16. Review status: criteria provided, single submitter. Criteria: GeneDx Variant Classification Process June 2021. Collection method: clinical testing. Allele origin: germline. Affected: yes.
Comment: Not observed at significant frequency in large population cohorts (gnomAD); In silico analysis suggests that this missense variant does not alter protein structure/function; Has not been previously published as pathogenic or benign to our knowledge